The following is an entry in ClinVar:

ClinVar aggregate classification (germline): Uncertain significance. Review status: criteria provided, multiple submitters, no conflicts (2 of 4 stars). 4 submissions from 4 submitters: Uncertain significance (4). Last evaluated 2025-07-10.

Conditions:
Cortical dysplasia-focal epilepsy syndrome (PTHSL1). Also called: Pitt-Hopkins-like syndrome 1. Identifiers: Orphanet 163681, Orphanet 221150, MedGen C2750246, MONDO:0012400, OMIM 610042.
Inborn genetic diseases. Identifiers: MedGen C0950123, MeSH D030342.

Allele frequency attached by ClinVar (database versions not stated): gnomAD 0.00001; TOPMed 0.00001.

Submissions (4):

Ambry Genetics
Classification: Uncertain significance for Inborn genetic diseases. Last evaluated: 2025-07-10. Review status: criteria provided, single submitter. Criteria: Ambry Variant Classification Scheme 2023. Collection method: clinical testing. Allele origin: germline.

GeneDx
Classification: Uncertain significance. Last evaluated: 2025-03-21. Review status: criteria provided, single submitter. Criteria: GeneDx Variant Classification Process June 2021. Collection method: clinical testing. Allele origin: germline. Affected: yes.
Comment: Not observed at significant frequency in large population cohorts (gnomAD); In silico analysis indicates that this missense variant does not alter protein structure/function; Has not been previously published as pathogenic or benign to our knowledge

Labcorp Genetics (formerly Invitae), Labcorp
Classification: Uncertain significance for Cortical dysplasia-focal epilepsy syndrome. Last evaluated: 2022-07-15. Review status: criteria provided, single submitter. Criteria: Invitae Variant Classification Sherloc (09022015). Collection method: clinical testing. Allele origin: germline.
Comment: This sequence change replaces methionine, which is neutral and non-polar, with leucine, which is neutral and non-polar, at codon 115 of the CNTNAP2 protein (p.Met115Leu). This variant is present in population databases (rs758526505, gnomAD 0.002%). This variant has not been reported in the literature in individuals affected with CNTNAP2-related conditions. ClinVar contains an entry for this variant (Variation ID: 423756). Algorithms developed to predict the effect of missense changes on protein structure and function output the following: SIFT: "Tolerated"; PolyPhen-2: "Benign"; Align-GVGD: "Class C0". The leucine amino acid residue is found in multiple mammalian species, which suggests that this missense change does not adversely affect protein function. In summary, the available evidence is currently insufficient to determine the role of this variant in disease. Therefore, it has been classified as a Variant of Uncertain Significance.

Baylor Genetics
Classification: Uncertain significance for Cortical dysplasia-focal epilepsy syndrome. Last evaluated: 2019-02-20. Review status: criteria provided, single submitter. Criteria: ACMG Guidelines, 2015. Collection method: clinical testing. Allele origin: unknown. Affected: yes.
Comment: This variant was determined to be of uncertain significance according to ACMG Guidelines, 2015 [PMID:25741868].

NM_014141.6(CNTNAP2):c.343A>C (p.Met115Leu)

Gene: CNTNAP2 (contactin associated protein 2; plus strand). Cytogenetic location: 7q35.
Variant type: single nucleotide variant.
Coding change: c.343A>C on transcript NM_014141.6 (MANE Select); coding-DNA position 343, A replaced by C.
Protein change: p.Met115Leu; replaces methionine 115 with leucine.
Molecular consequence: missense variant.
Genome position (GRCh38, 1-based): chr7:146,839,845, A>C. VCF-style: chr7-146839845-A-C. GRCh37 (hg19) VCF-style: chr7-146536937-A-C.
Other names: short protein forms M115L.
Identifiers: ClinVar variation 423756 (VCV000423756.11), dbSNP rs758526505, ClinGen allele CA4545749.
Genomic context (GRCh38, chr7:146,839,845, plus strand): 5'-ATCAGTGCCATTGCAACCCAAGGAAGGTATAGCAGCTCAGATTGGGTGACCCAATACCGG[A>C]TGCTCTACAGCGACACAGGGAGAAACTGGAAACCCTATCATCAAGATGGGAATATCTGGG-3'
Protein context (NP_054860.1, residues 105-125): SSSDWVTQYR[Met115Leu]LYSDTGRNWK